The following is an entry in ClinVar:

NM_002860.4(ALDH18A1):c.2081C>T (p.Ser694Phe)

Gene: ALDH18A1 (aldehyde dehydrogenase 18 family member A1; minus strand). Cytogenetic location: 10q24.1.
Variant type: single nucleotide variant.
Coding change: c.2081C>T on transcript NM_002860.4 (MANE Select); coding-DNA position 2081, C replaced by T.
Protein change: p.Ser694Phe; replaces serine 694 with phenylalanine.
Molecular consequence: missense variant.
Genome position (GRCh38, 1-based): chr10:95,611,285, G>A on the plus strand (C>T on the coding strand, the complement: ALDH18A1 is on the minus strand). VCF-style: chr10-95611285-G-A. GRCh37 (hg19) VCF-style: chr10-97371042-G-A.
Other names: c.2075C>T, p.Ser692Phe (NM_001017423.2, NM_001323415.2); c.1748C>T, p.Ser583Phe (NM_001323412.2, NM_001323416.2); c.2081C>T, p.Ser694Phe (NM_001323413.2, NM_001323414.2); c.1976C>T, p.Ser659Phe (NM_001323417.2); c.1742C>T, p.Ser581Phe (NM_001323418.2); c.1445C>T, p.Ser482Phe (NM_001323419.2); short protein forms S482F, S581F, S583F, S659F, S692F, S694F.
Identifiers: ClinVar variation 1806654 (VCV001806654.6), dbSNP rs2526705065, ClinGen allele CA377699842.

ClinVar aggregate classification (germline): Uncertain significance. Review status: criteria provided, multiple submitters, no conflicts (2 of 4 stars). 2 submissions from 2 submitters: Uncertain significance (2). Last evaluated 2024-01-31.

Conditions:
Autosomal dominant spastic paraplegia type 9. Identifiers: MedGen C1832669, MONDO:0015091.
Cutis laxa, autosomal dominant 3 (ADCL3). Identifiers: Orphanet 90348, MedGen C4225268, MONDO:0014706, OMIM 616603.
de Barsy syndrome. Also called: Cutis laxa-corneal clouding-oligophrenia syndrome. Identifiers: Orphanet 2962, MedGen C0268354, MONDO:0017569.

Submissions (2):

Labcorp Genetics (formerly Invitae), Labcorp
Classification: Uncertain significance for Autosomal dominant spastic paraplegia type 9; de Barsy syndrome; Cutis laxa, autosomal dominant 3. Last evaluated: 2024-01-31. Review status: criteria provided, single submitter. Criteria: Invitae Variant Classification Sherloc (09022015). Collection method: clinical testing. Allele origin: germline.
Comment: This sequence change replaces serine, which is neutral and polar, with phenylalanine, which is neutral and non-polar, at codon 694 of the ALDH18A1 protein (p.Ser694Phe). This variant is not present in population databases (gnomAD no frequency). This variant has not been reported in the literature in individuals affected with ALDH18A1-related conditions. ClinVar contains an entry for this variant (Variation ID: 1806654). Advanced modeling of protein sequence and biophysical properties (such as structural, functional, and spatial information, amino acid conservation, physicochemical variation, residue mobility, and thermodynamic stability) has been performed at Invitae for this missense variant, however the output from this modeling did not meet the statistical confidence thresholds required to predict the impact of this variant on ALDH18A1 protein function. In summary, the available evidence is currently insufficient to determine the role of this variant in disease. Therefore, it has been classified as a Variant of Uncertain Significance.

GeneDx
Classification: Uncertain significance. Last evaluated: 2022-06-16. Review status: criteria provided, single submitter. Criteria: GeneDx Variant Classification Process June 2021. Collection method: clinical testing. Allele origin: germline. Affected: yes.
Comment: Not observed at significant frequency in large population cohorts (gnomAD); In silico analysis supports that this missense variant has a deleterious effect on protein structure/function; Has not been previously published as pathogenic or benign to our knowledge